The following is an entry in ClinVar:

NM_001367721.1(CASK):c.1789A>G (p.Thr597Ala)

Gene: CASK (calcium/calmodulin dependent serine protein kinase; minus strand). Cytogenetic location: Xp11.4.
Variant type: single nucleotide variant.
Coding change: c.1789A>G on transcript NM_001367721.1 (MANE Select); coding-DNA position 1789, A replaced by G.
Protein change: p.Thr597Ala; replaces threonine 597 with alanine.
Molecular consequence: missense variant. On other transcripts: intron variant (2).
Genome position (GRCh38, 1-based): chrX:41,557,049, T>C on the plus strand (A>G on the coding strand, the complement: CASK is on the minus strand). VCF-style: chrX-41557049-T-C. GRCh37 (hg19) VCF-style: chrX-41416302-T-C.
Other names: c.1771A>G, p.Thr591Ala (NM_001410745.1); c.1789A>G, p.Thr597Ala (NM_003688.4); c.1720-1414A>G (NM_001126055.3); c.1738-1414A>G (NM_001126054.3); short protein forms T591A, T597A.
Identifiers: ClinVar variation 4705417 (VCV004705417.1).
Genomic context (GRCh38, chrX:41,557,049, plus strand): 5'-AACAAAATTGTCACACTTTGCTGTGTGGAGCTAAAGTTCTTACCGAAACAGAATTGTTAG[T>C]GCTGCTATGACCATTAGCTGGGGACTGTCTGGAAGTGGAAGGGGAATCTCTCTGAAATAA-3'
Protein context (NP_001354650.1, residues 587-607): RQSPANGHSS[Thr597Ala]NNSVSDLPST

ClinVar aggregate classification (germline): Uncertain significance (1 of 4 stars; one submission).

Conditions:
Intellectual disability, CASK-related, X-linked. Identifiers: MedGen CN043158.

gnomAD v4.1: 3 of 1,209,410 alleles (0.00025%); highest among the groups gnomAD compares: Admixed American, 0.0065%; no homozygotes.

Submission:

Labcorp Genetics (formerly Invitae), Labcorp
Classification: Uncertain significance for Intellectual disability, CASK-related, X-linked. Last evaluated: 2025-05-21. Review status: criteria provided, single submitter. Criteria: Invitae Variant Classification Sherloc (09022015). Collection method: clinical testing. Allele origin: germline.
Comment: This sequence change replaces threonine, which is neutral and polar, with alanine, which is neutral and non-polar, at codon 597 of the CASK protein (p.Thr597Ala). The frequency data for this variant in the population databases is considered unreliable, as metrics indicate poor data quality at this position in the gnomAD database. This variant has not been reported in the literature in individuals affected with CASK-related conditions. Invitae Evidence Modeling of protein sequence and biophysical properties (such as structural, functional, and spatial information, amino acid conservation, physicochemical variation, residue mobility, and thermodynamic stability) has been performed for this missense variant. However, the output from this modeling did not meet the statistical confidence thresholds required to predict the impact of this variant on CASK protein function. In summary, the available evidence is currently insufficient to determine the role of this variant in disease. Therefore, it has been classified as a Variant of Uncertain Significance.